The following is an entry in ClinVar:

ClinVar aggregate classification (germline): Benign. Review status: criteria provided, multiple submitters, no conflicts (2 of 4 stars). 3 submissions from 3 submitters: Benign (3). Last evaluated 2026-02-03.

Allele frequency attached by ClinVar (database versions not stated): gnomAD exomes 0.19055; 1000 Genomes Project 30x 0.22564; ESP Exome Variant Server 0.26096; gnomAD 0.24986 and 0.24230; TOPMed 0.25516; 1000 Genomes Project 0.21745; ExAC 0.23747.

Submissions (3):

Labcorp Genetics (formerly Invitae), Labcorp
Classification: Benign. Last evaluated: 2026-02-03. Review status: criteria provided, single submitter. Criteria: Invitae Variant Classification Sherloc (09022015). Collection method: clinical testing. Allele origin: germline.

GeneDx
Classification: Benign. Last evaluated: 2018-08-10. Review status: criteria provided, single submitter. Criteria: GeneDx Variant Classification Process June 2021. Collection method: clinical testing. Allele origin: germline. Affected: yes.
Comment: This variant is associated with the following publications: (PMID: 22155192)

Breakthrough Genomics
Classification: Benign. Review status: criteria provided, single submitter. Criteria: ACMG Guidelines, 2015. Collection method: not provided. Allele origin: germline. Inheritance: Autosomal dominant inheritance. Affected: yes.

NM_001946.4(DUSP6):c.430T>G (p.Ser144Ala)

Genes: DUSP6 (dual specificity phosphatase 6; minus strand), POC1B-DUSP6 (POC1B-DUSP6 readthrough; minus strand). Cytogenetic location: 12q21.33.
Variant type: single nucleotide variant.
Coding change: c.430T>G on transcript NM_001946.4 (MANE Select); coding-DNA position 430, T replaced by G.
Protein change: p.Ser144Ala; replaces serine 144 with alanine.
Molecular consequence: missense variant. On other transcripts: intron variant (1).
Genome position (GRCh38, 1-based): chr12:89,350,996, A>C on the plus strand (T>G on the coding strand, the complement: DUSP6 is on the minus strand). VCF-style: chr12-89350996-A-C. GRCh37 (hg19) VCF-style: chr12-89744773-A-C.
Other names: c.400+644T>G (NM_022652.4); short protein forms S144A.
Identifiers: ClinVar variation 1261506 (VCV001261506.11), dbSNP rs770087, ClinGen allele CA6714027.